The following is an entry in ClinVar:

ClinVar aggregate classification (germline): Uncertain significance (1 of 4 stars; one submission).

Conditions:
PGM1-congenital disorder of glycosylation. Also called: Congenital disorder of glycosylation type 1t; PHOSPHOGLUCOMUTASE 1 DEFICIENCY; PGM1 DEFICIENCY; GLYCOGEN STORAGE DISEASE XIV; GSD XIV; CDG It. Identifiers: Orphanet 319646, MedGen C2752015, MONDO:0013968, OMIM 614921.

gnomAD v4.1: 2 of 1,613,558 alleles (0.00012%); highest among the groups gnomAD compares: African/African-American, 0.0027%; no homozygotes.

Submission:

Labcorp Genetics (formerly Invitae), Labcorp
Classification: Uncertain significance for PGM1-congenital disorder of glycosylation. Last evaluated: 2022-07-17. Review status: criteria provided, single submitter. Criteria: Invitae Variant Classification Sherloc (09022015). Collection method: clinical testing. Allele origin: germline.
Comment: In summary, the available evidence is currently insufficient to determine the role of this variant in disease. Therefore, it has been classified as a Variant of Uncertain Significance. Algorithms developed to predict the effect of missense changes on protein structure and function (SIFT, PolyPhen-2, Align-GVGD) all suggest that this variant is likely to be tolerated. This variant has not been reported in the literature in individuals affected with PGM1-related conditions. This variant is present in population databases (no rsID available, gnomAD 0.01%). This sequence change replaces alanine, which is neutral and non-polar, with proline, which is neutral and non-polar, at codon 33 of the PGM1 protein (p.Ala33Pro).

NM_002633.3(PGM1):c.97G>C (p.Ala33Pro)

Genes: PGM1 (phosphoglucomutase 1; plus strand), LOC129930668 (ATAC-STARR-seq lymphoblastoid active region 1127; plus strand). Cytogenetic location: 1p31.3.
Variant type: single nucleotide variant.
Coding change: c.97G>C on transcript NM_002633.3 (MANE Select); coding-DNA position 97, G replaced by C.
Protein change: p.Ala33Pro; replaces alanine 33 with proline.
Molecular consequence: missense variant.
Genome position (GRCh38, 1-based): chr1:63,593,585, G>C. VCF-style: chr1-63593585-G-C. GRCh37 (hg19) VCF-style: chr1-64059256-G-C.
Other names: short protein forms A33P.
Identifiers: ClinVar variation 1911641 (VCV001911641.3), dbSNP rs779635442, ClinGen allele CA23820666.